The following is an entry in ClinVar:

NM_000061.3(BTK):c.493T>C (p.Cys165Arg)

Gene: BTK (Bruton tyrosine kinase; minus strand). Cytogenetic location: Xq22.1.
Variant type: single nucleotide variant.
Coding change: c.493T>C on transcript NM_000061.3 (MANE Select); coding-DNA position 493, T replaced by C.
Protein change: p.Cys165Arg; replaces cysteine 165 with arginine.
Molecular consequence: missense variant.
Genome position (GRCh38, 1-based): chrX:101,362,588, A>G on the plus strand (T>C on the coding strand, the complement: BTK is on the minus strand). VCF-style: chrX-101362588-A-G. GRCh37 (hg19) VCF-style: chrX-100617576-A-G.
Other names: c.595T>C, p.Cys199Arg (NM_001287344.2); c.493T>C, p.Cys165Arg (NM_001287345.2); short protein forms C165R, C199R.
Identifiers: ClinVar variation 644946 (VCV000644946.1), dbSNP rs1603010344, ClinGen allele CA413935074.

ClinVar aggregate classification (germline): Uncertain significance (1 of 4 stars; one submission).

Conditions:
X-linked agammaglobulinemia with growth hormone deficiency (IGHD3). Also called: ISOLATED GROWTH HORMONE DEFICIENCY, TYPE III, WITH AGAMMAGLOBULINEMIA; FLEISHER SYNDROME; HYPOGAMMAGLOBULINEMIA AND ISOLATED GROWTH HORMONE DEFICIENCY, X-LINKED; IGHD III; AGAMMAGLOBULINEMIA AND ISOLATED GROWTH HORMONE DEFICIENCY, X-LINKED; Isolated growth hormone deficiency type 3. Identifiers: Orphanet 231692, Orphanet 631, MedGen C0472813, MONDO:0010615, OMIM 307200.

Submission:

Labcorp Genetics (formerly Invitae), Labcorp
Classification: Uncertain significance for X-linked agammaglobulinemia with growth hormone deficiency. Last evaluated: 2018-08-06. Review status: criteria provided, single submitter. Criteria: Invitae Variant Classification Sherloc (09022015). Collection method: clinical testing. Allele origin: germline.
Comment: This sequence change replaces cysteine with arginine at codon 165 of the BTK protein (p.Cys165Arg). The cysteine residue is highly conserved and there is a large physicochemical difference between cysteine and arginine. This variant is not present in population databases (ExAC no frequency). This variant has not been reported in the literature in individuals with BTK-related disease. Algorithms developed to predict the effect of missense changes on protein structure and function (SIFT, PolyPhen-2, Align-GVGD) all suggest that this variant is likely to be disruptive, but these predictions have not been confirmed by published functional studies and their clinical significance is uncertain. In summary, the available evidence is currently insufficient to determine the role of this variant in disease. Therefore, it has been classified as a Variant of Uncertain Significance.